The following is an entry in ClinVar:

NM_021008.4(DEAF1):c.1615A>G (p.Ile539Val)

Gene: DEAF1 (DEAF1 transcription factor; minus strand). Cytogenetic location: 11p15.5.
Variant type: single nucleotide variant.
Coding change: c.1615A>G on transcript NM_021008.4 (MANE Select); coding-DNA position 1615, A replaced by G.
Protein change: p.Ile539Val; replaces isoleucine 539 with valine.
Molecular consequence: missense variant.
Genome position (GRCh38, 1-based): chr11:644,633, T>C on the plus strand (A>G on the coding strand, the complement: DEAF1 is on the minus strand). VCF-style: chr11-644633-T-C. GRCh37 (hg19) VCF-style: chr11-644633-T-C.
Other names: c.1390A>G, p.Ile464Val (NM_001293634.2); c.889A>G, p.Ile297Val (NM_001367390.1); short protein forms I297V, I464V, I539V.
Identifiers: ClinVar variation 1939162 (VCV001939162.5), dbSNP rs770483499, ClinGen allele CA5786107.

ClinVar aggregate classification (germline): Uncertain significance (1 of 4 stars; one submission).

Allele frequency attached by ClinVar (database versions not stated): gnomAD exomes below 0.00001; TOPMed below 0.00001; ExAC 0.00001; gnomAD 0.00001.
gnomAD v4.1: 2 of 1,611,990 alleles (0.00012%); highest among the groups gnomAD compares: Non-Finnish European, 0.00017%; no homozygotes.

Submission:

Labcorp Genetics (formerly Invitae), Labcorp
Classification: Uncertain significance. Last evaluated: 2023-02-22. Review status: criteria provided, single submitter. Criteria: Invitae Variant Classification Sherloc (09022015). Collection method: clinical testing. Allele origin: germline.
Comment: This variant has not been reported in the literature in individuals affected with DEAF1-related conditions. Advanced modeling of protein sequence and biophysical properties (such as structural, functional, and spatial information, amino acid conservation, physicochemical variation, residue mobility, and thermodynamic stability) performed at Invitae indicates that this missense variant is not expected to disrupt DEAF1 protein function. In summary, the available evidence is currently insufficient to determine the role of this variant in disease. Therefore, it has been classified as a Variant of Uncertain Significance. This sequence change replaces isoleucine, which is neutral and non-polar, with valine, which is neutral and non-polar, at codon 539 of the DEAF1 protein (p.Ile539Val). This variant is present in population databases (rs770483499, gnomAD 0.0009%).